The following is an entry in ClinVar:

ClinVar aggregate classification (germline): Pathogenic/Likely pathogenic. Review status: criteria provided, multiple submitters, no conflicts (2 of 4 stars). 9 submissions from 8 submitters: Pathogenic (3); Likely pathogenic (1). 5 of the submissions do not count toward it. Last evaluated 2023-10-05.

Conditions:
Charcot-Marie-Tooth disease. Also called: Charcot-Marie-Tooth Neuropathy; Charcot-Marie-Tooth Hereditary Neuropathy. Identifiers: Orphanet 166, MedGen C0007959, MONDO:0015626.
Charcot-Marie-Tooth disease axonal type 2O. Also called: Charcot-Marie-Tooth Neuropathy Type 2O; Charcot-Marie-Tooth disease, axonal, type 20; CHARCOT-MARIE-TOOTH NEUROPATHY, AXONAL, TYPE 2O; CHARCOT-MARIE-TOOTH DISEASE, AXONAL, AUTOSOMAL DOMINANT, TYPE 2O. Identifiers: Orphanet 284232, MedGen C3280220, MONDO:0013644, OMIM 614228.
Autosomal dominant childhood-onset proximal spinal muscular atrophy without contractures. Also called: Spinal muscular atrophy, lower extremity-predominant 1, AD; KUGELBERG-WELANDER SYNDROME, AUTOSOMAL DOMINANT; SPINAL MUSCULAR ATROPHY, JUVENILE, PROXIMAL, AUTOSOMAL DOMINANT; SPINAL MUSCULAR ATROPHY, CHILDHOOD, PROXIMAL, AUTOSOMAL DOMINANT. Identifiers: Orphanet 209341, Orphanet 363447, MedGen C5780022, MONDO:0008026, OMIM 158600.

Submissions (9):

Labcorp Genetics (formerly Invitae), Labcorp
Classification: Pathogenic for Charcot-Marie-Tooth disease axonal type 2O. Last evaluated: 2023-10-05. Review status: criteria provided, single submitter. Criteria: Invitae Variant Classification Sherloc (09022015). Collection method: clinical testing. Allele origin: germline.
Comment: This sequence change replaces histidine, which is basic and polar, with arginine, which is basic and polar, at codon 306 of the DYNC1H1 protein (p.His306Arg). This variant is not present in population databases (gnomAD no frequency). This missense change has been observed in individual(s) with Charcot-Marie-Tooth disease (PMID: 21820100). It has also been observed to segregate with disease in related individuals. ClinVar contains an entry for this variant (Variation ID: 30029). Advanced modeling of protein sequence and biophysical properties (such as structural, functional, and spatial information, amino acid conservation, physicochemical variation, residue mobility, and thermodynamic stability) has been performed at Invitae for this missense variant, however the output from this modeling did not meet the statistical confidence thresholds required to predict the impact of this variant on DYNC1H1 protein function. Experimental studies have shown that this missense change affects DYNC1H1 function (PMID: 29379136). For these reasons, this variant has been classified as Pathogenic.

Institute of Human Genetics, University of Leipzig Medical Center
Classification: Pathogenic for Charcot-Marie-Tooth disease axonal type 2O. Last evaluated: 2019-01-01. Review status: criteria provided, single submitter. Criteria: ACMG Guidelines, 2015. Collection method: clinical testing. Allele origin: unknown. Affected: yes.

CeGaT Center for Human Genetics Tuebingen
Classification: Pathogenic. Last evaluated: 2017-09-01. Review status: criteria provided, single submitter. Criteria: CeGaT Center For Human Genetics Tuebingen Variant Classification Criteria Version 2. Collection method: clinical testing. Allele origin: germline. Affected: yes. Observed: 1 variant allele.

Clinical Genetics and Genomics, Karolinska University Hospital
Classification: Likely pathogenic. Last evaluated: 2015-10-29. Review status: criteria provided, single submitter. Criteria: ACMG Guidelines, 2015. Collection method: clinical testing. Allele origin: germline. Affected: yes. Observed: 2 variant alleles.

Inherited Neuropathy Consortium Ii, University Of Miami
Classification: Uncertain significance for Charcot-Marie-Tooth disease axonal type 2O. Last evaluated: 2016-01-06. Review status: no assertion criteria provided. Collection method: literature only. Allele origin: germline. Affected: yes. Not counted in ClinVar's aggregate classification.

ClinVar Staff, National Center for Biotechnology Information (NCBI)
No classification provided. Condition: Charcot-Marie-Tooth disease. Last evaluated: 2015-04-30. Review status: no classification provided. Collection method: literature only. Allele origin: germline. Not counted in ClinVar's aggregate classification.
Comment: This SCV is no longer cited in the GeneReview (NBK1285).

OMIM
Classification: Pathogenic for CHARCOT-MARIE-TOOTH DISEASE, AXONAL, TYPE 2O. Last evaluated: 2012-11-01. Review status: no assertion criteria provided. Collection method: literature only. Allele origin: germline. Not counted in ClinVar's aggregate classification.

OMIM
Classification: Pathogenic for SPINAL MUSCULAR ATROPHY, LOWER EXTREMITY-PREDOMINANT, 1, AUTOSOMAL DOMINANT. Last evaluated: 2012-11-01. Review status: no assertion criteria provided. Collection method: literature only. Allele origin: germline. Not counted in ClinVar's aggregate classification.

Inherited Neuropathy Consortium
Classification: Uncertain significance for Charcot-Marie-Tooth disease. Review status: no assertion criteria provided. Collection method: literature only. Allele origin: germline. Affected: yes. Not counted in ClinVar's aggregate classification.

Literature cited by the submitters: PubMed 21820100 (cited by 5 submitters); PubMed 29379136 (cited by Labcorp Genetics (formerly Invitae), Labcorp); PubMed 22847149 (cited by OMIM).

NM_001376.5(DYNC1H1):c.917A>G (p.His306Arg)

Gene: DYNC1H1 (dynein cytoplasmic 1 heavy chain 1; plus strand). Cytogenetic location: 14q32.31.
Variant type: single nucleotide variant.
Coding change: c.917A>G on transcript NM_001376.5 (MANE Select); coding-DNA position 917, A replaced by G.
Protein change: p.His306Arg; replaces histidine 306 with arginine.
Molecular consequence: missense variant.
Genome position (GRCh38, 1-based): chr14:101,980,506, A>G. VCF-style: chr14-101980506-A-G. GRCh37 (hg19) VCF-style: chr14-102446843-A-G.
Other names: short protein forms H306R.
Identifiers: ClinVar variation 30029 (VCV000030029.48), dbSNP rs387906738, ClinGen allele CA144804.